The following is an entry in ClinVar:

NM_000051.4(ATM):c.5137A>G (p.Ile1713Val)

Gene: ATM (ATM serine/threonine kinase; plus strand). Cytogenetic location: 11q22.3.
Variant type: single nucleotide variant.
Coding change: c.5137A>G on transcript NM_000051.4 (MANE Select); coding-DNA position 5137, A replaced by G.
Protein change: p.Ile1713Val; replaces isoleucine 1713 with valine.
Molecular consequence: missense variant.
Genome position (GRCh38, 1-based): chr11:108,299,845, A>G. VCF-style: chr11-108299845-A-G. GRCh37 (hg19) VCF-style: chr11-108170572-A-G.
Other names: c.5137A>G, p.Ile1713Val (NM_001351834.2); short protein forms I1713V.
Identifiers: ClinVar variation 1921090 (VCV001921090.6), dbSNP rs2135892045, ClinGen allele CA382540952.

ClinVar aggregate classification (germline): Uncertain significance. Review status: criteria provided, multiple submitters, no conflicts (2 of 4 stars). 2 submissions from 2 submitters: Uncertain significance (2). Last evaluated 2024-01-14.

Conditions:
Hereditary cancer-predisposing syndrome. Also called: Neoplastic Syndromes, Hereditary; Tumor predisposition; Hereditary neoplastic syndrome; Hereditary Cancer Syndrome. Identifiers: Orphanet 140162, MedGen C0027672, MeSH D009386, MONDO:0015356.
Ataxia-telangiectasia syndrome (AT). Also called: ATAXIA-TELANGIECTASIA, COMPLEMENTATION GROUP A; ATAXIA-TELANGIECTASIA, FRESNO VARIANT; Ataxia-telangiectasia, complementation group E; Cerebello-oculocutaneous telangiectasia; Immunodeficiency with ataxia telangiectasia; Ataxia telangiectasia (A-T). Identifiers: Orphanet 100, MedGen C0004135, MONDO:0008840, OMIM 208900.

Submissions (2):

Ambry Genetics
Classification: Uncertain significance for Hereditary cancer-predisposing syndrome. Last evaluated: 2024-01-14. Review status: criteria provided, single submitter. Criteria: Ambry Variant Classification Scheme 2023. Collection method: clinical testing. Allele origin: germline.
Comment: The p.I1713V variant (also known as c.5137A>G), located in coding exon 33 of the ATM gene, results from an A to G substitution at nucleotide position 5137. The isoleucine at codon 1713 is replaced by valine, an amino acid with highly similar properties. This amino acid position is conserved. In addition, this alteration is predicted to be tolerated by in silico analysis. Since supporting evidence is limited at this time, the clinical significance of this alteration remains unclear.

Labcorp Genetics (formerly Invitae), Labcorp
Classification: Uncertain significance for Ataxia-telangiectasia syndrome. Last evaluated: 2022-02-19. Review status: criteria provided, single submitter. Criteria: Invitae Variant Classification Sherloc (09022015). Collection method: clinical testing. Allele origin: germline.
Comment: This variant is not present in population databases (gnomAD no frequency). This sequence change replaces isoleucine, which is neutral and non-polar, with valine, which is neutral and non-polar, at codon 1713 of the ATM protein (p.Ile1713Val). This variant has not been reported in the literature in individuals affected with ATM-related conditions. Advanced modeling of protein sequence and biophysical properties (such as structural, functional, and spatial information, amino acid conservation, physicochemical variation, residue mobility, and thermodynamic stability) performed at Invitae indicates that this missense variant is not expected to disrupt ATM protein function. In summary, the available evidence is currently insufficient to determine the role of this variant in disease. Therefore, it has been classified as a Variant of Uncertain Significance.